The following is an entry in ClinVar:

ClinVar aggregate classification (germline): Pathogenic (1 of 4 stars; one submission).

Conditions:
Joubert syndrome. Also called: CEREBELLOPARENCHYMAL DISORDER IV; JOUBERT-BOLTSHAUSER SYNDROME; Familial aplasia of the vermis. Identifiers: Orphanet 475, MedGen C5979921, MONDO:0018772.
Nephronophthisis. Also called: Juvenile Nephronophthisis. Identifiers: Orphanet 655, MedGen C0687120, MONDO:0019005, HP:0000090.
Meckel-Gruber syndrome. Also called: DYSENCEPHALIA SPLANCHNOCYSTICA; GRUBER SYNDROME; Dysencephalia splachnocystica. Identifiers: Orphanet 564, MedGen C0265215, MONDO:0018921.

Submission:

Labcorp Genetics (formerly Invitae), Labcorp
Classification: Pathogenic for Joubert syndrome; Meckel-Gruber syndrome; Nephronophthisis. Last evaluated: 2021-06-27. Review status: criteria provided, single submitter. Criteria: Invitae Variant Classification Sherloc (09022015). Collection method: clinical testing. Allele origin: germline.
Comment: This sequence change creates a premature translational stop signal (p.Met559Trpfs*14) in the CEP290 gene. It is expected to result in an absent or disrupted protein product. Loss-of-function variants in CEP290 are known to be pathogenic (PMID: 16909394, 17345604, 20690115). This variant is not present in population databases (ExAC no frequency). This variant has not been reported in the literature in individuals with CEP290-related conditions. For these reasons, this variant has been classified as Pathogenic.

Literature cited by the submitters: PubMed 16909394; PubMed 17345604; PubMed 20690115.

NM_025114.4(CEP290):c.1675del (p.Met559fs)

Gene: CEP290 (centrosomal protein 290; minus strand). Cytogenetic location: 12q21.32.
Variant type: Deletion.
Coding change: c.1675del on transcript NM_025114.4 (MANE Select); coding-DNA position 1675, one base deleted (A; older notation c.1675delA).
Protein change: p.Met559fs; shifts the reading frame from methionine 559.
Molecular consequence: frameshift variant.
Genome position (GRCh38, 1-based): chr12:88,118,519, T deleted on the plus strand (A on the coding strand, the reverse complement: CEP290 is on the minus strand); the first of 3 consecutive T bases (chr12:88,118,519-88,118,521); deleting any one gives the same sequence. VCF-style (leftmost placement, unchanged base first): chr12-88118518-AT-A. GRCh37 (hg19) VCF-style: chr12-88512295-AT-A.
Other names: short protein forms M559fs.
Identifiers: ClinVar variation 1350752 (VCV001350752.6), dbSNP rs2137868361, ClinGen allele CA2573149012.